The following is an entry in ClinVar:

NM_000059.4(BRCA2):c.5386_5387del (p.Asp1796fs)

Gene: BRCA2 (BRCA2 DNA repair associated; plus strand). Cytogenetic location: 13q13.1.
Variant type: Deletion.
Coding change: c.5386_5387del on transcript NM_000059.4 (MANE Select); coding-DNA positions 5386 to 5387, 2 bases deleted (GA; older notation c.5386_5387delGA).
Protein change: p.Asp1796fs; shifts the reading frame from aspartic acid 1796.
Molecular consequence: frameshift variant.
Genome position (GRCh38, 1-based): chr13:32,339,741-32,339,742, GA deleted; deleting any 2 consecutive bases within chr13:32,339,740-32,339,742 gives the same sequence; the c. name uses the placement nearest the transcript's 3' end. VCF-style (leftmost placement, unchanged base first): chr13-32339739-AAG-A. GRCh37 (hg19) VCF-style: chr13-32913876-AAG-A.
Other names: c.5386_5387delGA (NM_000059.3).
Identifiers: ClinVar variation 142629 (VCV000142629.20), dbSNP rs587782598, ClinGen allele CA022186.

ClinVar aggregate classification (germline): Pathogenic. Review status: reviewed by expert panel (3 of 4 stars). 5 submissions from 5 submitters: Pathogenic (1). 4 of the submissions do not count toward it. Last evaluated 2016-09-08.

Conditions:
Hereditary cancer-predisposing syndrome. Also called: Neoplastic Syndromes, Hereditary; Hereditary Cancer Syndrome; Hereditary neoplastic syndrome; Tumor predisposition. Identifiers: Orphanet 140162, MedGen C0027672, MeSH D009386, MONDO:0015356.
Hereditary breast ovarian cancer syndrome. Also called: Hereditary breast and ovarian cancer syndrome; Hereditary breast and/or ovarian cancer syndrome; BRCA1- and BRCA2-Associated Hereditary Breast and Ovarian Cancer; Hereditary breast and ovarian cancer; Breast and ovarian cancer; Hereditary breast and ovarian cancer syndrome (HBOC). Identifiers: Orphanet 145, MedGen C0677776, MeSH D061325, MONDO:0003582. Disease mechanism: loss of function.
Breast-ovarian cancer, familial, susceptibility to, 2 (BROVCA2). Also called: BRCA2 Hereditary Breast and Ovarian Cancer. Identifiers: Orphanet 145, MedGen C2675520, MONDO:0012933, OMIM 612555. Disease mechanism: loss of function.
Familial cancer of breast. Also called: Hereditary breast cancer; hereditary breast carcinoma; BREAST CANCER, FAMILIAL. Identifiers: Orphanet 227535, MedGen C0346153, MONDO:0016419, OMIM 114480. Disease mechanism: loss of function.

Submissions (5):

Evidence-based Network for the Interpretation of Germline Mutant Alleles (ENIGMA)
Classification: Pathogenic for Breast-ovarian cancer, familial, susceptibility to, 2. Last evaluated: 2016-09-08. Review status: reviewed by expert panel. Criteria: ENIGMA BRCA1/2 Classification Criteria (2015). Collection method: curation. Allele origin: germline.
Comment: Variant allele predicted to encode a truncated non-functional protein.

Baylor Genetics
Classification: Pathogenic for Familial cancer of breast. Last evaluated: 2023-10-13. Review status: criteria provided, single submitter. Criteria: ACMG Guidelines, 2015. Collection method: clinical testing. Allele origin: unknown. Not counted in ClinVar's aggregate classification.

Labcorp Genetics (formerly Invitae), Labcorp
Classification: Pathogenic for Hereditary breast ovarian cancer syndrome. Last evaluated: 2023-06-08. Review status: criteria provided, single submitter. Criteria: Invitae Variant Classification Sherloc (09022015). Collection method: clinical testing. Allele origin: germline. Not counted in ClinVar's aggregate classification.
Comment: For these reasons, this variant has been classified as Pathogenic. ClinVar contains an entry for this variant (Variation ID: 142629). This premature translational stop signal has been observed in individual(s) with clinical features of BRCA2-related conditions (PMID: 21520333). This variant is not present in population databases (gnomAD no frequency). This sequence change creates a premature translational stop signal (p.Asp1796Cysfs*10) in the BRCA2 gene. It is expected to result in an absent or disrupted protein product. Loss-of-function variants in BRCA2 are known to be pathogenic (PMID: 20104584).

Ambry Genetics
Classification: Pathogenic for Hereditary cancer-predisposing syndrome. Last evaluated: 2022-04-21. Review status: criteria provided, single submitter. Criteria: Ambry Variant Classification Scheme 2023. Collection method: clinical testing. Allele origin: germline. Not counted in ClinVar's aggregate classification.
Comment: The c.5386_5387delGA pathogenic mutation, located in coding exon 10 of the BRCA2 gene, results from a deletion of two nucleotides at nucleotide positions 5386 to 5387, causing a translational frameshift with a predicted alternate stop codon (p.D1796Cfs*10). This variant is considered to be rare based on population cohorts in the Genome Aggregation Database (gnomAD). This alteration is expected to result in loss of function by premature protein truncation or nonsense-mediated mRNA decay. As such, this alteration is interpreted as a disease-causing mutation.

Quest Diagnostics Nichols Institute San Juan Capistrano
Classification: Pathogenic for Breast-ovarian cancer, familial, susceptibility to, 2. Last evaluated: 2015-06-24. Review status: criteria provided, single submitter. Criteria: Quest Diagnostics criteria. Collection method: clinical testing. Allele origin: germline. Inheritance: Autosomal dominant inheritance. Not counted in ClinVar's aggregate classification.

Literature cited by the submitters: PubMed 21520333 (cited by Labcorp Genetics (formerly Invitae), Labcorp); PubMed 20104584 (cited by Labcorp Genetics (formerly Invitae), Labcorp); PubMed 26295337 (cited by Quest Diagnostics Nichols Institute San Juan Capistrano).